The following is an entry in ClinVar:

ClinVar aggregate classification (germline): Uncertain significance. Review status: criteria provided, multiple submitters, no conflicts (2 of 4 stars). 2 submissions from 2 submitters: Uncertain significance (2). Last evaluated 2025-07-14.

gnomAD v4.1: 5 of 1,613,048 alleles (0.00031%); highest among the groups gnomAD compares: African/African-American, 0.0067%; no homozygotes.

Submissions (2):

Ambry Genetics
Classification: Uncertain significance. Last evaluated: 2025-07-14. Review status: criteria provided, single submitter. Criteria: Ambry Variant Classification Scheme 2023. Collection method: clinical testing. Allele origin: germline.
Comment: The p.T355R variant (also known as c.1064C>G), located in coding exon 10 of the SRP72 gene, results from a C to G substitution at nucleotide position 1064. The threonine at codon 355 is replaced by arginine, an amino acid with similar properties. This amino acid position is conserved. In addition, this alteration is predicted to be tolerated by in silico analysis. Based on the available evidence, the clinical significance of this variant remains unclear.

Labcorp Genetics (formerly Invitae), Labcorp
Classification: Uncertain significance. Last evaluated: 2024-07-17. Review status: criteria provided, single submitter. Criteria: Invitae Variant Classification Sherloc (09022015). Collection method: clinical testing. Allele origin: germline.
Comment: This sequence change replaces threonine, which is neutral and polar, with arginine, which is basic and polar, at codon 355 of the SRP72 protein (p.Thr355Arg). This variant is present in population databases (no rsID available, gnomAD 0.01%). This variant has not been reported in the literature in individuals affected with SRP72-related conditions. Advanced modeling of protein sequence and biophysical properties (such as structural, functional, and spatial information, amino acid conservation, physicochemical variation, residue mobility, and thermodynamic stability) performed at Invitae indicates that this missense variant is not expected to disrupt SRP72 protein function with a negative predictive value of 80%. In summary, the available evidence is currently insufficient to determine the role of this variant in disease. Therefore, it has been classified as a Variant of Uncertain Significance.

NM_006947.4(SRP72):c.1064C>G (p.Thr355Arg)

Gene: SRP72 (signal recognition particle 72; plus strand). Cytogenetic location: 4q12.
Variant type: single nucleotide variant.
Coding change: c.1064C>G on transcript NM_006947.4 (MANE Select); coding-DNA position 1064, C replaced by G.
Protein change: p.Thr355Arg; replaces threonine 355 with arginine.
Molecular consequence: missense variant. On other transcripts: non-coding transcript variant (1).
Genome position (GRCh38, 1-based): chr4:56,484,842, C>G. VCF-style: chr4-56484842-C-G. GRCh37 (hg19) VCF-style: chr4-57351008-C-G.
Other names: c.881C>G, p.Thr294Arg (NM_001267722.2); c.1064C>G (NM_006947.3); short protein forms T355R, T294R.
Identifiers: ClinVar variation 3686244 (VCV003686244.3).